The following is an entry in ClinVar:

ClinVar aggregate classification (germline): Uncertain significance (1 of 4 stars; one submission).

Conditions:
Andersen Tawil syndrome (LQT7). Also called: Potassium-sensitive periodic paralysis, ventricular ectopy, and dysmorphic features; ANDERSEN CARDIODYSRHYTHMIC PERIODIC PARALYSIS; PERIODIC PARALYSIS, POTASSIUM-SENSITIVE CARDIODYSRHYTHMIC TYPE; Andersen Syndrome; LONG QT SYNDROME 7. Identifiers: Orphanet 37553, MedGen C1563715, MONDO:0008222, OMIM 170390.
Short QT syndrome type 3. Identifiers: Orphanet 51083, MedGen C1865018, MONDO:0012314, OMIM 609622.

Submission:

Labcorp Genetics (formerly Invitae), Labcorp
Classification: Uncertain significance for Short QT syndrome type 3; Andersen Tawil syndrome. Last evaluated: 2021-09-23. Review status: criteria provided, single submitter. Criteria: Invitae Variant Classification Sherloc (09022015). Collection method: clinical testing. Allele origin: germline.
Comment: In summary, the available evidence is currently insufficient to determine the role of this variant in disease. Therefore, it has been classified as a Variant of Uncertain Significance. Algorithms developed to predict the effect of missense changes on protein structure and function are either unavailable or do not agree on the potential impact of this missense change (SIFT: "Deleterious"; PolyPhen-2: "Benign"; Align-GVGD: "Class C0"). This variant has not been reported in the literature in individuals affected with KCNJ2-related conditions. This variant is not present in population databases (ExAC no frequency). This sequence change replaces leucine with histidine at codon 368 of the KCNJ2 protein (p.Leu368His). The leucine residue is highly conserved and there is a moderate physicochemical difference between leucine and histidine.

NM_000891.3(KCNJ2):c.1103T>A (p.Leu368His)

Gene: KCNJ2 (potassium inwardly rectifying channel subfamily J member 2; plus strand). Cytogenetic location: 17q24.3.
Variant type: single nucleotide variant.
Coding change: c.1103T>A on transcript NM_000891.3 (MANE Select); coding-DNA position 1103, T replaced by A.
Protein change: p.Leu368His; replaces leucine 368 with histidine.
Molecular consequence: missense variant.
Genome position (GRCh38, 1-based): chr17:70,176,142, T>A. VCF-style: chr17-70176142-T-A. GRCh37 (hg19) VCF-style: chr17-68172283-T-A.
Other names: short protein forms L368H.
Identifiers: ClinVar variation 1382740 (VCV001382740.6), dbSNP rs2144377937, ClinGen allele CA400863517.